The following is an entry in ClinVar:

ClinVar aggregate classification (germline): Benign (1 of 4 stars; one submission).

Allele frequency attached by ClinVar (database versions not stated): 1000 Genomes Project 30x 0.14413; 1000 Genomes Project 0.14776; gnomAD 0.12142; TOPMed 0.12429.

Submission:

GeneDx
Classification: Benign. Last evaluated: 2018-06-19. Review status: criteria provided, single submitter. Criteria: GeneDx Variant Classification (06012015). Collection method: clinical testing. Allele origin: germline. Affected: yes.
Comment: This variant is considered likely benign or benign based on one or more of the following criteria: it is a conservative change, it occurs at a poorly conserved position in the protein, it is predicted to be benign by multiple in silico algorithms, and/or has population frequency not consistent with disease.

NM_000071.3(CBS):c.1145+268C>T

Gene: CBS (cystathionine beta-synthase; minus strand). Cytogenetic location: 21q22.3.
Variant type: single nucleotide variant.
Coding change: c.1145+268C>T on transcript NM_000071.3 (MANE Select); 268 bases into the intron after coding-DNA position 1145, C replaced by T.
Molecular consequence: intron variant.
Genome position (GRCh38, 1-based): chr21:43,060,173, G>A on the plus strand (C>T on the coding strand, the complement: CBS is on the minus strand). VCF-style: chr21-43060173-G-A. GRCh37 (hg19) VCF-style: chr21-44480283-G-A.
Other names: c.1145+268C>T (NM_001320298.2, NM_001178009.3, NM_001178008.3); c.830+268C>T (NM_001321072.1).
Identifiers: ClinVar variation 668732 (VCV000668732.1), dbSNP rs234704, ClinGen allele CA321689382.